The following is an entry in ClinVar:

NM_021224.6(ZNF462):c.7205C>T (p.Ser2402Phe)

Genes: ZNF462 (zinc finger protein 462; plus strand), LOC340512 (uncharacterized LOC340512; minus strand). Cytogenetic location: 9q31.2.
Variant type: single nucleotide variant.
Coding change: c.7205C>T on transcript NM_021224.6 (MANE Select); coding-DNA position 7205, C replaced by T.
Protein change: p.Ser2402Phe; replaces serine 2402 with phenylalanine.
Molecular consequence: missense variant.
Genome position (GRCh38, 1-based): chr9:107,009,560, C>T. VCF-style: chr9-107009560-C-T. GRCh37 (hg19) VCF-style: chr9-109771841-C-T.
Other names: c.4610C>T, p.Ser1537Phe (NM_001347997.2); short protein forms S1537F, S2402F.
Identifiers: ClinVar variation 3364211 (VCV003364211.1).

ClinVar aggregate classification (germline): Uncertain significance (1 of 4 stars; one submission).

Submission:

GeneDx
Classification: Uncertain significance. Last evaluated: 2023-11-08. Review status: criteria provided, single submitter. Criteria: GeneDx Variant Classification Process June 2021. Collection method: clinical testing. Allele origin: germline. Affected: yes.
Comment: Not observed at significant frequency in large population cohorts (gnomAD); In silico analysis supports that this missense variant has a deleterious effect on protein structure/function; Has not been previously published as pathogenic or benign to our knowledge